The following is an entry in ClinVar:

ClinVar aggregate classification (germline): Uncertain significance (1 of 4 stars; one submission).

Allele frequency attached by ClinVar (database versions not stated): TOPMed below 0.00001; gnomAD 0.00001; ExAC 0.00003.
gnomAD v4.1: 8 of 1,610,148 alleles (0.0005%); highest among the groups gnomAD compares: Non-Finnish European, 0.00068%; no homozygotes.

Submission:

Labcorp Genetics (formerly Invitae), Labcorp
Classification: Uncertain significance. Last evaluated: 2022-05-28. Review status: criteria provided, single submitter. Criteria: Invitae Variant Classification Sherloc (09022015). Collection method: clinical testing. Allele origin: germline.
Comment: This sequence change falls in intron 13 of the CEP152 gene. It does not directly change the encoded amino acid sequence of the CEP152 protein. It affects a nucleotide within the consensus splice site. This variant is present in population databases (rs774793987, gnomAD 0.004%). This variant has not been reported in the literature in individuals affected with CEP152-related conditions. Variants that disrupt the consensus splice site are a relatively common cause of aberrant splicing (PMID: 17576681, 9536098). Algorithms developed to predict the effect of sequence changes on RNA splicing suggest that this variant is not likely to affect RNA splicing. In summary, the available evidence is currently insufficient to determine the role of this variant in disease. Therefore, it has been classified as a Variant of Uncertain Significance.

Literature cited by the submitters: PubMed 17576681; PubMed 9536098.

NM_001194998.2(CEP152):c.1782+3A>T

Gene: CEP152 (centrosomal protein 152; minus strand). Cytogenetic location: 15q21.1.
Variant type: single nucleotide variant.
Coding change: c.1782+3A>T on transcript NM_001194998.2 (MANE Select); 3 bases into the intron after coding-DNA position 1782, A replaced by T.
Molecular consequence: intron variant.
Genome position (GRCh38, 1-based): chr15:48,772,484, T>A on the plus strand (A>T on the coding strand, the complement: CEP152 is on the minus strand). VCF-style: chr15-48772484-T-A. GRCh37 (hg19) VCF-style: chr15-49064681-T-A.
Other names: c.1782+3A>T (NM_014985.4).
Identifiers: ClinVar variation 1939371 (VCV001939371.2), dbSNP rs774793987, ClinGen allele CA7548760.
Genomic context (GRCh38, chr15:48,772,484, plus strand): 5'-TGTAAAAGTTTTCTTTATTGAGCCTTTTAAAAATGGTTTTTTAACTCTATAGGCTTTACA[T>A]ACCTCAACCTCAATGCTTTTTTCATCCTTCTTCACTTGGTGGAGATCTTCAATTTTCTTA-3'